The following is an entry in ClinVar:

ClinVar aggregate classification (germline): Uncertain significance (1 of 4 stars; one submission).

Submission:

Labcorp Genetics (formerly Invitae), Labcorp
Classification: Uncertain significance. Last evaluated: 2024-06-29. Review status: criteria provided, single submitter. Criteria: Invitae Variant Classification Sherloc (09022015). Collection method: clinical testing. Allele origin: germline.
Comment: This sequence change replaces methionine, which is neutral and non-polar, with leucine, which is neutral and non-polar, at codon 117 of the ANXA11 protein (p.Met117Leu). This variant is not present in population databases (gnomAD no frequency). This variant has not been reported in the literature in individuals affected with ANXA11-related conditions. Experimental studies and prediction algorithms are not available or were not evaluated, and the functional significance of this variant is currently unknown. In summary, the available evidence is currently insufficient to determine the role of this variant in disease. Therefore, it has been classified as a Variant of Uncertain Significance.

NM_145868.2(ANXA11):c.349A>T (p.Met117Leu)

Genes: ANXA11 (annexin A11; minus strand), LOC130004184 (ATAC-STARR-seq lymphoblastoid silent region 2543; plus strand). Cytogenetic location: 10q22.3.
Variant type: single nucleotide variant.
Coding change: c.349A>T on transcript NM_145868.2 (MANE Select); coding-DNA position 349, A replaced by T.
Protein change: p.Met117Leu; replaces methionine 117 with leucine.
Molecular consequence: missense variant.
Genome position (GRCh38, 1-based): chr10:80,169,181, T>A on the plus strand (A>T on the coding strand, the complement: ANXA11 is on the minus strand). VCF-style: chr10-80169181-T-A. GRCh37 (hg19) VCF-style: chr10-81928937-T-A.
Other names: c.349A>T, p.Met117Leu (NM_001157.3, NM_001278407.2, NM_001278408.2 and 1 more transcripts); c.250A>T, p.Met84Leu (NM_001278409.2); short protein forms M84L, M117L.
Identifiers: ClinVar variation 3682899 (VCV003682899.2).
Genomic context (GRCh38, chr10:80,169,181, plus strand): 5'-CGGGGGGTGGCATGGGCTGGCCCGGCACAGGGGCCCCTGGGTATGGCGGATATGAGGGCA[T>A]CCTGGAGGGTGGGTTTCCTCCTGGGGGTGGATACATCCCATAGGGAGGAACAGGCTGCTG-3'
Protein context (NP_665875.1, residues 107-127): PPPGGNPPSR[Met117Leu]PSYPPYPGAP